The following is an entry in ClinVar:

NM_020911.2(PLXNA4):c.3745C>A (p.Leu1249Ile)

Gene: PLXNA4 (plexin A4; minus strand). Cytogenetic location: 7q32.3.
Variant type: single nucleotide variant.
Coding change: c.3745C>A on transcript NM_020911.2 (MANE Select); coding-DNA position 3745, C replaced by A.
Protein change: p.Leu1249Ile; replaces leucine 1249 with isoleucine.
Molecular consequence: missense variant.
Genome position (GRCh38, 1-based): chr7:132,179,816, G>T on the plus strand (C>A on the coding strand, the complement: PLXNA4 is on the minus strand). VCF-style: chr7-132179816-G-T. GRCh37 (hg19) VCF-style: chr7-131864575-G-T.
Other names: c.3745C>A, p.Leu1249Ile (NM_001393897.1); short protein forms L1249I.
Identifiers: ClinVar variation 2629572 (VCV002629572.2), dbSNP rs1005851874, ClinGen allele CA166979987.

ClinVar aggregate classification (germline): Uncertain significance (1 of 4 stars; one submission).

Conditions:
PLXNA4-related disorder. Also called: PLXNA4-related condition.

Allele frequency attached by ClinVar (database versions not stated): TOPMed below 0.00001; gnomAD 0.00001; gnomAD exomes 0.00002.
gnomAD v4.1: 23 of 1,612,592 alleles (0.0014%); highest among the groups gnomAD compares: Non-Finnish European, 0.0019%; no homozygotes.

Submission:

PreventionGenetics, part of Exact Sciences
Classification: Uncertain significance for PLXNA4-related condition. Last evaluated: 2025-02-11. Review status: criteria provided, single submitter. Criteria: ACMG Guidelines, 2015. Collection method: clinical testing. Allele origin: germline.
Comment: The PLXNA4 c.3745C>A variant is predicted to result in the amino acid substitution p.Leu1249Ile. To our knowledge, this variant has not been reported in the literature. This variant is reported in 0.0032% of alleles in individuals of European (Non-Finnish) descent in gnomAD. At this time, the clinical significance of this variant is uncertain due to the absence of conclusive functional and genetic evidence.